The following is an entry in ClinVar:

ClinVar aggregate classification (germline): Benign. Review status: criteria provided, multiple submitters, no conflicts (2 of 4 stars). 2 submissions from 2 submitters: Benign (2). Last evaluated 2021-05-24.

Conditions:
Ceroid lipofuscinosis, neuronal, 4 (Kufs type) (CLN4). Also called: Neuronal ceroid lipofuscinosis 4B; Ceroid lipofuscinosis, neuronal, 4, Parry type. Identifiers: Orphanet 228343, Orphanet 79262, MedGen C1834207, MONDO:0008083, OMIM 162350.

Allele frequency attached by ClinVar (database versions not stated): gnomAD 0.02556; 1000 Genomes Project 0.02895; 1000 Genomes Project 30x 0.02967; TOPMed 0.03008; gnomAD exomes 0.05263.

Submissions (2):

GeneDx
Classification: Benign. Last evaluated: 2021-05-24. Review status: criteria provided, single submitter. Criteria: GeneDx Variant Classification Process June 2021. Collection method: clinical testing. Allele origin: germline. Affected: yes.

Illumina Laboratory Services, Illumina
Classification: Benign for Ceroid lipofuscinosis, neuronal, 4 (Kufs type). Last evaluated: 2018-01-13. Review status: criteria provided, single submitter. Criteria: ICSL Variant Classification Criteria 13 December 2019. Collection method: clinical testing. Allele origin: germline.
Comment: This variant was observed in the ICSL laboratory as part of a predisposition screen in an ostensibly healthy population. It had not been previously curated by ICSL or reported in the Human Gene Mutation Database (HGMD: prior to June 1st, 2018), and was therefore a candidate for classification through an automated scoring system. Utilizing variant allele frequency, disease prevalence and penetrance estimates, and inheritance mode, an automated score was calculated to assess if this variant is too frequent to cause the disease. Based on the score and internal cut-off values, a variant classified as benign is not then subjected to further curation. The score for this variant resulted in a classification of benign for this disease.

NM_025219.3(DNAJC5):c.*4007G>C

Gene: DNAJC5 (DnaJ heat shock protein family (Hsp40) member C5; plus strand). Cytogenetic location: 20q13.33.
Variant type: single nucleotide variant.
Coding change: c.*4007G>C on transcript NM_025219.3 (MANE Select); 4007 bases downstream of the stop codon, G replaced by C.
Molecular consequence: 3 prime UTR variant.
Genome position (GRCh38, 1-based): chr20:63,935,575, G>C. VCF-style: chr20-63935575-G-C. GRCh37 (hg19) VCF-style: chr20-62566928-G-C.
Identifiers: ClinVar variation 339436 (VCV000339436.8), dbSNP rs77777268, ClinGen allele CA10653422.